The following is an entry in ClinVar:

ClinVar aggregate classification (germline): Likely benign (1 of 4 stars; one submission).

Conditions:
Von Hippel-Lindau syndrome (VHLS). Also called: Von Hippel-Lindau; von Hippel–Lindau syndrome; VHL syndrome. Identifiers: Orphanet 892, MedGen C0019562, MONDO:0008667, OMIM 193300. Disease mechanism: loss of function.

Submission:

Myriad Genetics, Inc.
Classification: Likely benign for Von Hippel-Lindau syndrome. Last evaluated: 2025-06-12. Review status: criteria provided, single submitter. Criteria: Myriad Autosomal Dominant, Autosomal Recessive and X-Linked Classification Criteria (2023). Collection method: clinical testing. Allele origin: unknown.
Comment: This variant is considered likely benign. This variant is intronic and is not expected to impact mRNA splicing.

NM_000551.4(VHL):c.463+7_463+8del

Genes: VHL (von Hippel-Lindau tumor suppressor; plus strand), LOC107303340 (3p25 von Hippel-Lindau tumor suppressor, E3 ubiquitin protein ligase Alu-mediated recombination region; plus strand). Cytogenetic location: 3p25.3.
Variant type: Deletion.
Coding change: c.463+7_463+8del on transcript NM_000551.4 (MANE Select); bases 7 to 8 of the intron after coding-DNA position 463, 2 bases deleted (AC; older notation c.463+7_463+8delAC).
Molecular consequence: intron variant.
Genome position (GRCh38, 1-based): chr3:10,146,643-10,146,644, AC deleted. VCF-style (leftmost placement, unchanged base first): chr3-10146642-GAC-G. GRCh37 (hg19) VCF-style: chr3-10188326-GAC-G.
Other names: c.*18-3144_*18-3143del (NM_001354723.2); c.341-3144_341-3143del (NM_198156.3).
Identifiers: ClinVar variation 4071235 (VCV004071235.1).